The following is an entry in ClinVar:

NM_000093.5(COL5A1):c.2269G>A (p.Gly757Ser)

Gene: COL5A1 (collagen type V alpha 1 chain; plus strand). Cytogenetic location: 9q34.3.
Variant type: single nucleotide variant.
Coding change: c.2269G>A on transcript NM_000093.5 (MANE Select); coding-DNA position 2269, G replaced by A.
Protein change: p.Gly757Ser; replaces glycine 757 with serine.
Molecular consequence: missense variant.
Genome position (GRCh38, 1-based): chr9:134,768,446, G>A. VCF-style: chr9-134768446-G-A. GRCh37 (hg19) VCF-style: chr9-137660292-G-A.
Other names: c.2269G>A, p.Gly757Ser (NM_001278074.1); short protein forms G757S.
Identifiers: ClinVar variation 529259 (VCV000529259.13), dbSNP rs1464394247, ClinGen allele CA375449496.

ClinVar aggregate classification (germline): Uncertain significance. Review status: criteria provided, multiple submitters, no conflicts (2 of 4 stars). 4 submissions from 4 submitters: Uncertain significance (4). Last evaluated 2021-10-09.

Conditions:
Ehlers-Danlos syndrome, classic type, 1 (EDSCL1). Also called: Ehlers-Danlos Syndrome, Classic Type, COL5A1-Related; EDS I; Ehlers-Danlos syndrome, type 1; EHLERS-DANLOS SYNDROME, GRAVIS TYPE; EHLERS-DANLOS SYNDROME, SEVERE CLASSIC TYPE. Identifiers: MedGen C0268335, MONDO:0019567, OMIM 130000.
Familial thoracic aortic aneurysm and aortic dissection (TAAD). Also called: Thoracic aortic aneurysms and dissections. Identifiers: Orphanet 91387, MedGen C4707243, MONDO:0019625.

Allele frequency attached by ClinVar (database versions not stated): gnomAD 0.00001; TOPMed 0.00001; gnomAD exomes below 0.00001.
gnomAD v4.1: 7 of 1,613,964 alleles (0.00043%); highest among the groups gnomAD compares: Non-Finnish European, 0.00059%; no homozygotes.

Submissions (4):

AiLife Diagnostics
Classification: Uncertain significance. Last evaluated: 2021-10-09. Review status: criteria provided, single submitter. Criteria: ACMG Guidelines, 2015. Collection method: clinical testing. Allele origin: germline. Affected: yes. Observed: 1 variant allele.

Labcorp Genetics (formerly Invitae), Labcorp
Classification: Uncertain significance for Ehlers-Danlos syndrome, classic type, 1. Last evaluated: 2021-08-09. Review status: criteria provided, single submitter. Criteria: Invitae Variant Classification Sherloc (09022015). Collection method: clinical testing. Allele origin: germline.
Comment: This sequence change replaces glycine with serine at codon 757 of the COL5A1 protein (p.Gly757Ser). The glycine residue is highly conserved and there is a small physicochemical difference between glycine and serine. This variant is not present in population databases (ExAC no frequency). This variant has not been reported in the literature in individuals affected with COL5A1-related conditions. ClinVar contains an entry for this variant (Variation ID: 529259). Advanced modeling of protein sequence and biophysical properties (such as structural, functional, and spatial information, amino acid conservation, physicochemical variation, residue mobility, and thermodynamic stability) performed at Invitae indicates that this missense variant is expected to disrupt COL5A1 protein function. This variant disrupts the triple helix domain of COL5A1. Glycine residues within the Gly-Xaa-Yaa repeats of the triple helix domain are required for the structure and stability of fibrillar collagens (PMID: 7695699, 8218237, 19344236), and variants at these glycine residues in COL5A1 are more frequently observed in individuals with disease than in the general population (PMID: 22696272, 23587214). However, the clinical significance of this observation remains uncertain since only a limited number of affected individuals have been described to date. In summary, the available evidence is currently insufficient to determine the role of this variant in disease. Therefore, it has been classified as a Variant of Uncertain Significance.

Ambry Genetics
Classification: Uncertain significance for Familial thoracic aortic aneurysm and aortic dissection. Last evaluated: 2020-06-12. Review status: criteria provided, single submitter. Criteria: Ambry Variant Classification Scheme 2023. Collection method: clinical testing. Allele origin: germline.
Comment: The p.G757S variant (also known as c.2269G>A), located in coding exon 25 of the COL5A1 gene, results from a G to A substitution at nucleotide position 2269. The glycine at codon 757 is replaced by serine, an amino acid with similar properties. Internal structural analysis indicates that this alteration disrupts the characteristic G-X-Y motif of the triple helical domain in the COL5A1 protein and inserts a bulky side chain into a sterically-constrained region (Bella J et al. Science. 1994;266:75-81; Hohenester E et al. Proc. Natl. Acad. Sci.U.S.A. 2008;105:18273-7; Ambry internal data). Glycine substitutions in the triple helical domain of COL5A1 have been reported in association with classic Ehlers-Danlos syndrome (cEDS), but the number of affected individuals is limited and several other COL5A1 glycine substitutions in the triple helical domain (e.g., p.G1078A and p.G1414A) are too common for disease in population databases (Symoens S et al. Hum. Mutat., 2012 Oct;33:1485-93; Ritelli M et al. Orphanet J Rare Dis. 2013 Apr;8:58). This amino acid position is highly conserved in available vertebrate species. In addition, this alteration is predicted to be deleterious by in silico analysis. Since supporting evidence is limited at this time, the clinical significance of this alteration remains unclear.

Revvity Omics, Revvity
Classification: Uncertain significance. Last evaluated: 2020-04-09. Review status: criteria provided, single submitter. Criteria: ACMG Guidelines, 2015. Collection method: clinical testing. Allele origin: germline.

Literature cited by the submitters: PubMed 7695699 (cited by Labcorp Genetics (formerly Invitae), Labcorp); PubMed 8218237 (cited by Labcorp Genetics (formerly Invitae), Labcorp); PubMed 19344236 (cited by Labcorp Genetics (formerly Invitae), Labcorp); PubMed 22696272 (cited by Labcorp Genetics (formerly Invitae), Labcorp); PubMed 23587214 (cited by Labcorp Genetics (formerly Invitae), Labcorp).